The following is an entry in ClinVar:

ClinVar aggregate classification (germline): Likely benign (1 of 4 stars; one submission).

Submission:

CeGaT Center for Human Genetics Tuebingen
Classification: Likely benign. Last evaluated: 2026-07-01. Review status: criteria provided, single submitter. Criteria: CeGaT Center For Human Genetics Tuebingen Variant Classification Criteria Version 2. Collection method: clinical testing. Allele origin: germline. Affected: yes. Observed: 1 variant allele.
Comment: DSPP: BP3

NM_014208.3(DSPP):c.3676_3677insATGAAAGCA (p.Ser1225_Ser1226insAsnGluSer)

Genes: DMP1-AS1 (DMP1 and DSPP antisense RNA 1; minus strand), DSPP (dentin sialophosphoprotein; plus strand). Cytogenetic location: 4q22.1.
Variant type: Insertion.
Coding change: c.3676_3677insATGAAAGCA on transcript NM_014208.3 (MANE Select); coding-DNA positions 3676 to 3677, ATGAAAGCA inserted.
Protein change: p.Ser1225_Ser1226insAsnGluSer.
Genome position: GRCh38 VCF-style: chr4-87616334-C-CAGCAATGAA. GRCh37 (hg19) VCF-style: chr4-88537486-C-CAGCAATGAA.
Identifiers: ClinVar variation 5039030 (VCV005039030.1).